The following is an entry in ClinVar:

NM_000334.4(SCN4A):c.3358T>C (p.Ser1120Pro)

Genes: GH-LCR (growth hormone locus control region; plus strand), SCN4A (sodium voltage-gated channel alpha subunit 4; minus strand). Cytogenetic location: 17q23.3.
Variant type: single nucleotide variant.
Coding change: c.3358T>C on transcript NM_000334.4 (MANE Select); coding-DNA position 3358, T replaced by C.
Protein change: p.Ser1120Pro; replaces serine 1120 with proline.
Molecular consequence: missense variant.
Genome position (GRCh38, 1-based): chr17:63,947,128, A>G on the plus strand (T>C on the coding strand, the complement: SCN4A is on the minus strand). VCF-style: chr17-63947128-A-G. GRCh37 (hg19) VCF-style: chr17-62024488-A-G.
Other names: short protein forms S1120P.
Identifiers: ClinVar variation 1363112 (VCV001363112.6), dbSNP rs1391865078, ClinGen allele CA400620648.

ClinVar aggregate classification (germline): Uncertain significance (1 of 4 stars; one submission).

Conditions:
Hyperkalemic periodic paralysis. Also called: Familial hyperkalemic periodic paralysis; Gamstorp disease. Identifiers: Orphanet 682, MedGen C0238357, MONDO:0008224, OMIM 170500, HP:0007215.

Allele frequency attached by ClinVar (database versions not stated): TOPMed below 0.00001; gnomAD exomes 0.00001.
gnomAD v4.1: 4 of 1,613,180 alleles (0.00025%); highest among the groups gnomAD compares: Admixed American, 0.0067%; no homozygotes.

Submission:

Labcorp Genetics (formerly Invitae), Labcorp
Classification: Uncertain significance for Hyperkalemic periodic paralysis. Last evaluated: 2022-03-01. Review status: criteria provided, single submitter. Criteria: Invitae Variant Classification Sherloc (09022015). Collection method: clinical testing. Allele origin: germline.
Comment: In summary, the available evidence is currently insufficient to determine the role of this variant in disease. Therefore, it has been classified as a Variant of Uncertain Significance. Algorithms developed to predict the effect of missense changes on protein structure and function (SIFT, PolyPhen-2, Align-GVGD) all suggest that this variant is likely to be disruptive. This variant has not been reported in the literature in individuals affected with SCN4A-related conditions. This variant is present in population databases (no rsID available, gnomAD 0.009%). This sequence change replaces serine, which is neutral and polar, with proline, which is neutral and non-polar, at codon 1120 of the SCN4A protein (p.Ser1120Pro).